The following is an entry in ClinVar:

NM_003737.4(DCHS1):c.8851C>T (p.Leu2951Phe)

Gene: DCHS1 (dachsous cadherin-related 1; minus strand). Cytogenetic location: 11p15.4.
Variant type: single nucleotide variant.
Coding change: c.8851C>T on transcript NM_003737.4 (MANE Select); coding-DNA position 8851, C replaced by T.
Protein change: p.Leu2951Phe; replaces leucine 2951 with phenylalanine.
Molecular consequence: missense variant.
Genome position (GRCh38, 1-based): chr11:6,622,825, G>A on the plus strand (C>T on the coding strand, the complement: DCHS1 is on the minus strand). VCF-style: chr11-6622825-G-A. GRCh37 (hg19) VCF-style: chr11-6644056-G-A.
Other names: short protein forms L2951F.
Identifiers: ClinVar variation 2588537 (VCV002588537.3), dbSNP rs1474345241, ClinGen allele CA379480216.
Genomic context (GRCh38, chr11:6,622,825, plus strand): 5'-CTGCCTCAGCCTTGCGGCTACGGGCCCGAACAAGTCCTAGGACCAGGGCTGCCAGTGCAA[G>A]CACCACCACAACTCCCAAGGAGGCTGCCACGGCCCCTACTAATAGCAGGTTGAGGTCAGG-3'
Protein context (NP_003728.1, residues 2941-2961): VAASLGVVVV[Leu2951Phe]ALAALVLGLV

ClinVar aggregate classification (germline): Uncertain significance. Review status: criteria provided, multiple submitters, no conflicts (2 of 4 stars). 2 submissions from 2 submitters: Uncertain significance (2). Last evaluated 2025-02-16.

Conditions:
Inborn genetic diseases. Identifiers: MedGen C0950123, MeSH D030342.

Allele frequency attached by ClinVar (database versions not stated): gnomAD exomes below 0.00001; TOPMed below 0.00001; gnomAD 0.00001.
gnomAD v4.1: 5 of 1,594,394 alleles (0.00031%); highest among the groups gnomAD compares: East Asian, 0.011%; no homozygotes.

Submissions (2):

Labcorp Genetics (formerly Invitae), Labcorp
Classification: Uncertain significance. Last evaluated: 2025-02-16. Review status: criteria provided, single submitter. Criteria: Invitae Variant Classification Sherloc (09022015). Collection method: clinical testing. Allele origin: germline.
Comment: This sequence change replaces leucine, which is neutral and non-polar, with phenylalanine, which is neutral and non-polar, at codon 2951 of the DCHS1 protein (p.Leu2951Phe). This variant is present in population databases (no rsID available, gnomAD 0.05%). This variant has not been reported in the literature in individuals affected with DCHS1-related conditions. ClinVar contains an entry for this variant (Variation ID: 2588537). Invitae Evidence Modeling of protein sequence and biophysical properties (such as structural, functional, and spatial information, amino acid conservation, physicochemical variation, residue mobility, and thermodynamic stability) indicates that this missense variant is expected to disrupt DCHS1 protein function with a positive predictive value of 80%. In summary, the available evidence is currently insufficient to determine the role of this variant in disease. Therefore, it has been classified as a Variant of Uncertain Significance.

Ambry Genetics
Classification: Uncertain significance for Inborn genetic diseases. Last evaluated: 2023-06-29. Review status: criteria provided, single submitter. Criteria: Ambry Variant Classification Scheme 2023. Collection method: clinical testing. Allele origin: germline.